The following is an entry in ClinVar:

NM_005050.4(ABCD4):c.1346del (p.Thr449fs)

Gene: ABCD4 (ATP binding cassette subfamily D member 4; minus strand). Cytogenetic location: 14q24.3.
Variant type: Deletion.
Coding change: c.1346del on transcript NM_005050.4 (MANE Select); coding-DNA position 1346, one base deleted (C; older notation c.1346delC).
Protein change: p.Thr449fs; shifts the reading frame from threonine 449.
Molecular consequence: frameshift variant. On other transcripts: non-coding transcript variant (1).
Genome position (GRCh38, 1-based): chr14:74,290,100, G deleted on the plus strand (C on the coding strand, the reverse complement: ABCD4 is on the minus strand). VCF-style (leftmost placement, unchanged base first): chr14-74290099-CG-C. GRCh37 (hg19) VCF-style: chr14-74756802-CG-C.
Other names: c.1220del, p.Thr407fs (NM_001353591.2, NM_001353592.2); c.1085del, p.Thr362fs (NM_001353593.2); c.1034del, p.Thr345fs (NM_001353594.2); c.932del, p.Thr311fs (NM_001353595.2, NM_001353596.2); c.881del, p.Thr294fs (NM_001353597.2); c.869del, p.Thr290fs (NM_001353598.2, NM_001353599.2, NM_001353600.2 and 3 more transcripts); c.557del, p.Thr186fs (NM_001353602.2, NM_001353603.2, NM_001353604.2 and 6 more transcripts); c.1346del, p.Thr449fs (NM_001440752.1, NM_001440753.1, NM_020325.3); and 1 more; short protein forms T290fs, T407fs, T186fs, T362fs, T345fs, T358fs, T294fs, T311fs.
Identifiers: ClinVar variation 4705101 (VCV004705101.1).

ClinVar aggregate classification (germline): Pathogenic (1 of 4 stars; one submission).

Conditions:
Methylmalonic acidemia with homocystinuria, type cblJ (MAHCJ). Also called: METHYLMALONIC ACIDURIA AND HOMOCYSTINURIA, cblJ TYPE. Identifiers: Orphanet 369955, MedGen C3553915, MONDO:0013925, OMIM 614857.

Submission:

Labcorp Genetics (formerly Invitae), Labcorp
Classification: Pathogenic for Methylmalonic acidemia with homocystinuria, type cblJ. Last evaluated: 2025-12-24. Review status: criteria provided, single submitter. Criteria: Invitae Variant Classification Sherloc (09022015). Collection method: clinical testing. Allele origin: germline.
Comment: This sequence change creates a premature translational stop signal (p.Thr449Argfs*26) in the ABCD4 gene. It is expected to result in an absent or disrupted protein product. Loss-of-function variants in ABCD4 are known to be pathogenic (PMID: 22922874). This variant is present in population databases (rs769704420, gnomAD 0.002%). This variant has not been reported in the literature in individuals affected with ABCD4-related conditions. Algorithms developed to predict the effect of sequence changes on RNA splicing suggest that this variant may disrupt the consensus splice site. For these reasons, this variant has been classified as Pathogenic.

Literature cited by the submitters: PubMed 22922874.